The following is an entry in ClinVar:

ClinVar aggregate classification (germline): Uncertain significance (1 of 4 stars; one submission).

Submission:

GeneDx
Classification: Uncertain significance. Last evaluated: 2024-10-14. Review status: criteria provided, single submitter. Criteria: GeneDx Variant Classification Process June 2021. Collection method: clinical testing. Allele origin: germline. Affected: yes.
Comment: Not observed at significant frequency in large population cohorts (gnomAD); In silico analysis supports that this missense variant has a deleterious effect on protein structure/function; Has not been previously published as pathogenic or benign to our knowledge

NM_001039591.3(USP9X):c.2729A>T (p.Asp910Val)

Gene: USP9X (ubiquitin specific peptidase 9 X-linked; plus strand). Cytogenetic location: Xp11.4.
Variant type: single nucleotide variant.
Coding change: c.2729A>T on transcript NM_001039591.3 (MANE Select); coding-DNA position 2729, A replaced by T.
Protein change: p.Asp910Val; replaces aspartic acid 910 with valine.
Molecular consequence: missense variant.
Genome position (GRCh38, 1-based): chrX:41,170,087, A>T. VCF-style: chrX-41170087-A-T. GRCh37 (hg19) VCF-style: chrX-41029340-A-T.
Other names: c.2729A>T, p.Asp910Val (NM_001039590.3); c.2744A>T, p.Asp915Val (NM_001410748.1, NM_001410749.1); short protein forms D910V, D915V.
Identifiers: ClinVar variation 3777297 (VCV003777297.1).
Genomic context (GRCh38, chrX:41,170,087, plus strand): 5'-TTCGATTTCCAAACCAGGGCAGACAGGTTGATGACTTGGAGGTATGGTCTCATACAAATG[A>T]TACAATTGGTTCAGTACGACGATGTATTCTCAATCGTATTAAAGCCAACGTAGCCCATAC-3'
Protein context (NP_001034680.2, residues 900-920): DDLEVWSHTN[Asp910Val]TIGSVRRCIL